The following is an entry in ClinVar:

ClinVar aggregate classification (germline): Uncertain significance (1 of 4 stars; one submission).

gnomAD v4.1: 51 of 1,553,878 alleles (0.0033%); highest among the groups gnomAD compares: African/African-American, 0.0014%; no homozygotes.

Submission:

Ambry Genetics
Classification: Uncertain significance. Last evaluated: 2024-11-17. Review status: criteria provided, single submitter. Criteria: Ambry Variant Classification Scheme 2023. Collection method: clinical testing. Allele origin: germline.
Comment: The p.T2090I variant (also known as c.6269C>T), located in coding exon 27 of the WNK2 gene, results from a C to T substitution at nucleotide position 6269. The threonine at codon 2090 is replaced by isoleucine, an amino acid with similar properties. This amino acid position is conserved. In addition, the in silico prediction for this alteration is inconclusive. Based on the available evidence, the clinical significance of this variant remains unclear.

NM_006648.4(WNK2):c.6269C>T (p.Thr2090Ile)

Gene: WNK2 (WNK lysine deficient protein kinase 2; plus strand). Cytogenetic location: 9q22.31.
Variant type: single nucleotide variant.
Coding change: c.6269C>T on transcript NM_006648.4 (MANE Select); coding-DNA position 6269, C replaced by T.
Protein change: p.Thr2090Ile; replaces threonine 2090 with isoleucine.
Molecular consequence: missense variant.
Genome position (GRCh38, 1-based): chr9:93,308,337, C>T. VCF-style: chr9-93308337-C-T. GRCh37 (hg19) VCF-style: chr9-96070619-C-T.
Other names: c.6380C>T, p.Thr2127Ile (NM_001282394.3); short protein forms T2090I, T2127I.
Identifiers: ClinVar variation 3470141 (VCV003470141.1).